The following is an entry in ClinVar:

NM_002890.3(RASA1):c.2897G>A (p.Arg966His)

Genes: CCNH (cyclin H; minus strand), RASA1 (RAS p21 protein activator 1; plus strand). Cytogenetic location: 5q14.3.
Variant type: single nucleotide variant.
Coding change: c.2897G>A on transcript NM_002890.3 (MANE Select); coding-DNA position 2897, G replaced by A.
Protein change: p.Arg966His; replaces arginine 966 with histidine.
Molecular consequence: missense variant. On other transcripts: intron variant (1).
Genome position (GRCh38, 1-based): chr5:87,386,875, G>A. VCF-style: chr5-87386875-G-A. GRCh37 (hg19) VCF-style: chr5-86682692-G-A.
Other names: c.2366G>A, p.Arg789His (NM_022650.3); c.933+8169C>T (NM_001364075.2); short protein forms R789H, R966H.
Identifiers: ClinVar variation 1695813 (VCV001695813.6), dbSNP rs757298110, ClinGen allele CA3336141.

ClinVar aggregate classification (germline): Uncertain significance. Review status: criteria provided, multiple submitters, no conflicts (2 of 4 stars). 3 submissions from 3 submitters: Uncertain significance (3). Last evaluated 2026-06-24.

Conditions:
Cardiovascular phenotype. Identifiers: MedGen CN230736.
Capillary malformation-arteriovenous malformation syndrome. Also called: Capillary malformation-arteriovenous malformation. Identifiers: Orphanet 137667, MedGen C1842180, MONDO:0012016.

Allele frequency attached by ClinVar (database versions not stated): gnomAD exomes 0.00001 and 0.00002; ExAC 0.00001.
gnomAD v4.1: 24 of 1,612,406 alleles (0.0015%); highest among the groups gnomAD compares: Non-Finnish European, 0.0019%; no homozygotes.

Submissions (3):

Ambry Genetics
Classification: Uncertain significance for Cardiovascular phenotype. Last evaluated: 2026-06-24. Review status: criteria provided, single submitter. Criteria: Ambry Variant Classification Scheme 2023. Collection method: clinical testing. Allele origin: germline.
Comment: The c.2897G>A (p.R966H) alteration is located in exon 23 (coding exon 23) of the RASA1 gene. This alteration results from a G to A substitution at nucleotide position 2897, causing the arginine (R) at amino acid position 966 to be replaced by a histidine (H). Based on data from gnomAD, the A allele has an overall frequency of 0.001% (2/251044) total alleles studied. The highest observed frequency was 0.005% (1/18370) of East Asian alleles. Based on insufficient or conflicting evidence, the clinical significance of this alteration remains unclear.

Labcorp Genetics (formerly Invitae), Labcorp
Classification: Uncertain significance for Capillary malformation-arteriovenous malformation syndrome. Last evaluated: 2026-02-03. Review status: criteria provided, single submitter. Criteria: Invitae Variant Classification Sherloc (09022015). Collection method: clinical testing. Allele origin: germline.
Comment: This sequence change replaces arginine, which is basic and polar, with histidine, which is basic and polar, at codon 966 of the RASA1 protein (p.Arg966His). This variant is present in population databases (rs757298110, gnomAD 0.006%). This variant has not been reported in the literature in individuals affected with RASA1-related conditions. ClinVar contains an entry for this variant (Variation ID: 1695813). An algorithm developed to predict the effect of missense changes on protein structure and function (PolyPhen-2) suggests that this variant is likely to be disruptive. In summary, the available evidence is currently insufficient to determine the role of this variant in disease. Therefore, it has been classified as a Variant of Uncertain Significance.

GeneDx
Classification: Uncertain significance. Last evaluated: 2022-01-11. Review status: criteria provided, single submitter. Criteria: GeneDx Variant Classification Process June 2021. Collection method: clinical testing. Allele origin: germline. Affected: yes.
Comment: Not observed at significant frequency in large population cohorts (gnomAD); In silico analysis supports that this missense variant has a deleterious effect on protein structure/function; Has not been previously published as pathogenic or benign to our knowledge